The following is an entry in ClinVar:

ClinVar aggregate classification (germline): Uncertain significance (1 of 4 stars; one submission).

Conditions:
Gastrointestinal stromal tumor. Also called: Gastrointestinal stromal tumor, somatic; Gastrointestinal stroma tumor. Identifiers: Orphanet 44890, MedGen C0238198, MeSH D046152, MONDO:0011719, OMIM 606764, HP:0100723.

gnomAD v4.1: 1 of 1,614,066 alleles (0.000062%); highest among the groups gnomAD compares: Non-Finnish European, 0.000085%; no homozygotes.

Submission:

Labcorp Genetics (formerly Invitae), Labcorp
Classification: Uncertain significance for Gastrointestinal stromal tumor. Last evaluated: 2023-06-27. Review status: criteria provided, single submitter. Criteria: Invitae Variant Classification Sherloc (09022015). Collection method: clinical testing. Allele origin: germline.
Comment: In summary, the available evidence is currently insufficient to determine the role of this variant in disease. Therefore, it has been classified as a Variant of Uncertain Significance. An algorithm developed to predict the effect of missense changes on protein structure and function (PolyPhen-2) suggests that this variant is likely to be tolerated. This variant has not been reported in the literature in individuals affected with KIT-related conditions. This variant is not present in population databases (gnomAD no frequency). This sequence change replaces arginine, which is basic and polar, with leucine, which is neutral and non-polar, at codon 946 of the KIT protein (p.Arg946Leu).

NM_000222.3(KIT):c.2837G>T (p.Arg946Leu)

Gene: KIT (KIT proto-oncogene, receptor tyrosine kinase; plus strand). Cytogenetic location: 4q12.
Variant type: single nucleotide variant.
Coding change: c.2837G>T on transcript NM_000222.3 (MANE Select); coding-DNA position 2837, G replaced by T.
Protein change: p.Arg946Leu; replaces arginine 946 with leucine.
Molecular consequence: missense variant.
Genome position (GRCh38, 1-based): chr4:54,738,463, G>T. VCF-style: chr4-54738463-G-T. GRCh37 (hg19) VCF-style: chr4-55604629-G-T.
Other names: c.2825G>T, p.Arg942Leu (NM_001093772.2, NM_001385292.1); c.2840G>T, p.Arg947Leu (NM_001385284.1); c.2834G>T, p.Arg945Leu (NM_001385285.1); c.2822G>T, p.Arg941Leu (NM_001385286.1); c.2828G>T, p.Arg943Leu (NM_001385288.1); c.2837G>T, p.Arg946Leu (NM_001385290.1); short protein forms R945L, R941L, R942L, R943L, R947L, R946L.
Identifiers: ClinVar variation 2812467 (VCV002812467.3), dbSNP rs779103998, ClinGen allele CA356915965.